The following is an entry in ClinVar:

ClinVar aggregate classification (germline): Benign/Likely benign. Review status: criteria provided, multiple submitters, no conflicts (2 of 4 stars). 5 submissions from 5 submitters: Benign (2); Likely benign (3). Last evaluated 2026-01-12.

Conditions:
Kidney disorder. Also called: renal disorder; renal disease; Nephropathy; Kidney disease; Kidney Diseases. Identifiers: MedGen C0022658, MONDO:0005240, HP:0000112.

Allele frequency attached by ClinVar (database versions not stated): 1000 Genomes Project 0.00060; 1000 Genomes Project 30x 0.00062; TOPMed 0.00259; gnomAD 0.00429 and 0.00452; gnomAD exomes 0.00429 and 0.00446; ExAC 0.00432; ESP Exome Variant Server 0.00463.
gnomAD v4.1: 7,084 of 1,614,202 alleles (0.44%); highest among the groups gnomAD compares: Non-Finnish European, 0.5%; 41 homozygotes.

Submissions (5):

Labcorp Genetics (formerly Invitae), Labcorp
Classification: Benign. Last evaluated: 2026-01-12. Review status: criteria provided, single submitter. Criteria: Invitae Variant Classification Sherloc (09022015). Collection method: clinical testing. Allele origin: germline.

Mayo Clinic Laboratories, Mayo Clinic
Classification: Benign. Last evaluated: 2025-07-14. Review status: criteria provided, single submitter. Criteria: ACMG Guidelines, 2015. Collection method: clinical testing. Allele origin: germline. Observed: 1 variant allele.
Comment: BS1, BS2, BP4, BP7

CeGaT Center for Human Genetics Tuebingen
Classification: Likely benign. Last evaluated: 2025-07-01. Review status: criteria provided, single submitter. Criteria: CeGaT Center For Human Genetics Tuebingen Variant Classification Criteria Version 2. Collection method: clinical testing. Allele origin: germline. Affected: yes. Observed: 5 variant alleles.
Comment: MYO1E: BP4, BS2

Blueprint Genetics
Classification: Likely benign. Last evaluated: 2024-11-27. Review status: criteria provided, single submitter. Criteria: ACMG Guidelines, 2015. Collection method: clinical testing. Allele origin: germline.

Genome Diagnostics Laboratory, The Hospital for Sick Children
Classification: Likely benign for Kidney disorder. Last evaluated: 2019-08-01. Review status: criteria provided, single submitter. Criteria: ACMG Guidelines, 2015. Collection method: clinical testing. Allele origin: germline.

NM_004998.4(MYO1E):c.1449G>A (p.Gln483=)

Gene: MYO1E (myosin IE; minus strand). Cytogenetic location: 15q22.2.
Variant type: single nucleotide variant.
Coding change: c.1449G>A on transcript NM_004998.4 (MANE Select); coding-DNA position 1449, G replaced by A.
Protein change: p.Gln483=; no amino-acid change (glutamine 483 retained).
Molecular consequence: synonymous variant.
Genome position (GRCh38, 1-based): chr15:59,208,762, C>T on the plus strand (G>A on the coding strand, the complement: MYO1E is on the minus strand). VCF-style: chr15-59208762-C-T. GRCh37 (hg19) VCF-style: chr15-59500961-C-T.
Other names: p.Gln483=.
Identifiers: ClinVar variation 718354 (VCV000718354.42), dbSNP rs144637775, ClinGen allele CA7589936.
Genomic context (GRCh38, chr15:59,208,762, plus strand): 5'-GATGAAGCCTTGGTTCCAACTGTTGAAGTGCTCATGACTCCCAATCTGCATCTGAAGTTT[C>T]TGGAGCAGCGTCTGATCTGCCCCCTCACCCACCGCATGCATCGTGGCGCACACGTCATCC-3'
Protein context (NP_004989.2, residues 473-493): VGEGADQTLL[Gln483=]KLQMQIGSHE